The following is an entry in ClinVar:

NM_015046.7(SETX):c.2985A>C (p.Lys995Asn)

Gene: SETX (senataxin; minus strand). Cytogenetic location: 9q34.13.
Variant type: single nucleotide variant.
Coding change: c.2985A>C on transcript NM_015046.7 (MANE Select); coding-DNA position 2985, A replaced by C.
Protein change: p.Lys995Asn; replaces lysine 995 with asparagine.
Molecular consequence: missense variant.
Genome position (GRCh38, 1-based): chr9:132,328,613, T>G on the plus strand (A>C on the coding strand, the complement: SETX is on the minus strand). VCF-style: chr9-132328613-T-G. GRCh37 (hg19) VCF-style: chr9-135204000-T-G.
Other names: c.2985A>C, p.Lys995Asn (NM_001351527.2, NM_001351528.2); short protein forms K995N.
Identifiers: ClinVar variation 1330733 (VCV001330733.15), dbSNP rs1285317289, ClinGen allele CA375332961.

ClinVar aggregate classification (germline): Conflicting classifications of pathogenicity. Review status: criteria provided, conflicting classifications (1 of 4 stars). 2 submissions from 2 submitters: Uncertain significance (1); Benign (1). Last evaluated 2025-01-11.

Conditions:
Spinocerebellar ataxia, autosomal recessive, with axonal neuropathy 2 (SCAN2). Also called: ATAXIA-OCULOMOTOR APRAXIA 2; Ataxia-ocular apraxia-2; Ataxia with Oculomotor Apraxia Type 2; Ataxia with Oculomotor Apraxia. Identifiers: Orphanet 64753, MedGen C1853761, MONDO:0018996, OMIM 606002.
Amyotrophic lateral sclerosis type 4 (ALS4). Also called: AMYOTROPHIC LATERAL SCLEROSIS 4, JUVENILE; NEURONOPATHY, DISTAL HEREDITARY MOTOR, WITH PYRAMIDAL FEATURES. Identifiers: Orphanet 357043, MedGen C1865409, MONDO:0011223, OMIM 602433.

Allele frequency attached by ClinVar (database versions not stated): gnomAD exomes 0.00001; TOPMed 0.00001.
gnomAD v4.1: 4 of 1,613,610 alleles (0.00025%); highest among the groups gnomAD compares: Admixed American, 0.0067%; no homozygotes.

Submissions (2):

Labcorp Genetics (formerly Invitae), Labcorp
Classification: Benign for Amyotrophic lateral sclerosis type 4; Spinocerebellar ataxia, autosomal recessive, with axonal neuropathy 2. Last evaluated: 2025-01-11. Review status: criteria provided, single submitter. Criteria: Invitae Variant Classification Sherloc (09022015). Collection method: clinical testing. Allele origin: germline.

ARUP Laboratories, Molecular Genetics and Genomics, ARUP Laboratories
Classification: Uncertain significance. Last evaluated: 2021-02-11. Review status: criteria provided, single submitter. Criteria: ARUP Molecular Germline Variant Investigation Process 2021. Collection method: clinical testing. Allele origin: germline.
Comment: The SETX p.Lys995Asn variant (rs1285317289), to our knowledge, has not been reported in the medical literature or gene specific databases. This variant is found in the general population with an overall allele frequency of 0.0008% (2/250,544 alleles) in the Genome Aggregation Database. The lysine at codon 995 is weakly conserved, but computational analyses are uncertain whether this variant is neutral or deleterious (REVEL: 0.259). Based on the available information, the clinical significance of this variant is uncertain.